The following is an entry in ClinVar:

ClinVar aggregate classification (germline): Uncertain significance. Review status: criteria provided, multiple submitters, no conflicts (2 of 4 stars). 3 submissions from 3 submitters: Uncertain significance (2). 1 of the submissions does not count toward it. Last evaluated 2024-11-05.

Conditions:
PHGDH deficiency. Identifiers: Orphanet 79351, MedGen C1866174, MONDO:0011152, OMIM 601815.

Allele frequency attached by ClinVar (database versions not stated): TOPMed 0.00001; ExAC 0.00002; gnomAD exomes 0.00002; gnomAD 0.00003.
gnomAD v4.1: 35 of 1,614,070 alleles (0.0022%); highest among the groups gnomAD compares: Middle Eastern, 0.033%; no homozygotes.

Submissions (3):

Blueprint Genetics
Classification: Uncertain significance. Last evaluated: 2024-11-05. Review status: criteria provided, single submitter. Criteria: ACMG Guidelines, 2015. Collection method: clinical testing. Allele origin: germline.

Labcorp Genetics (formerly Invitae), Labcorp
Classification: Uncertain significance for PHGDH deficiency. Last evaluated: 2021-10-20. Review status: criteria provided, single submitter. Criteria: Invitae Variant Classification Sherloc (09022015). Collection method: clinical testing. Allele origin: germline.
Comment: This sequence change replaces valine with methionine at codon 240 of the PHGDH protein (p.Val240Met). The valine residue is moderately conserved and there is a small physicochemical difference between valine and methionine. This variant is present in population databases (rs765276824, ExAC 0.009%). This variant has not been reported in the literature in individuals affected with PHGDH-related conditions. Algorithms developed to predict the effect of missense changes on protein structure and function are either unavailable or do not agree on the potential impact of this missense change (SIFT: "Deleterious"; PolyPhen-2: "Possibly Damaging"; Align-GVGD: "Class C0"). In summary, the available evidence is currently insufficient to determine the role of this variant in disease. Therefore, it has been classified as a Variant of Uncertain Significance.

Natera, Inc.
Classification: Uncertain significance for Phosphoglycerate dehydrogenase deficiency. Last evaluated: 2020-09-16. Review status: no assertion criteria provided. Collection method: clinical testing. Allele origin: germline. Not counted in ClinVar's aggregate classification.

NM_006623.4(PHGDH):c.718G>A (p.Val240Met)

Gene: PHGDH (phosphoglycerate dehydrogenase; plus strand). Cytogenetic location: 1p12.
Variant type: single nucleotide variant.
Coding change: c.718G>A on transcript NM_006623.4 (MANE Select); coding-DNA position 718, G replaced by A.
Protein change: p.Val240Met; replaces valine 240 with methionine.
Molecular consequence: missense variant.
Genome position (GRCh38, 1-based): chr1:119,735,369, G>A. VCF-style: chr1-119735369-G-A. GRCh37 (hg19) VCF-style: chr1-120277992-G-A.
Other names: short protein forms V240M.
Identifiers: ClinVar variation 854616 (VCV000854616.5), dbSNP rs765276824, ClinGen allele CA1037226.